The following is an entry in ClinVar:

NM_177438.3(DICER1):c.1136A>G (p.Lys379Arg)

Gene: DICER1 (dicer 1, ribonuclease III; minus strand). Cytogenetic location: 14q32.13.
Variant type: single nucleotide variant.
Coding change: c.1136A>G on transcript NM_177438.3 (MANE Select); coding-DNA position 1136, A replaced by G.
Protein change: p.Lys379Arg; replaces lysine 379 with arginine.
Molecular consequence: missense variant.
Genome position (GRCh38, 1-based): chr14:95,124,436, T>C on the plus strand (A>G on the coding strand, the complement: DICER1 is on the minus strand). VCF-style: chr14-95124436-T-C. GRCh37 (hg19) VCF-style: chr14-95590773-T-C.
Other names: c.1136A>G, p.Lys379Arg (NM_001195573.1, NM_001271282.3, NM_001291628.2 and 1 more transcripts); short protein forms K379R.
Identifiers: ClinVar variation 961979 (VCV000961979.13), dbSNP rs1893218088, ClinGen allele CA390886885.
Genomic context (GRCh38, chr14:95,124,436, plus strand): 5'-TCAACGCTTTCAAACTGCTGTCGCTCATATGGTTTATATTTGCGTAAGATTTCGAGCAGT[T>C]TGATTACTTTAGGAGTTACAAATTTCAGGTCAAGTGAGGCAGGTGAGAAGTGCTCTTCAC-3'
Protein context (NP_803187.1, residues 369-389): DLKFVTPKVI[Lys379Arg]LLEILRKYKP

ClinVar aggregate classification (germline): Uncertain significance. Review status: criteria provided, multiple submitters, no conflicts (2 of 4 stars). 2 submissions from 2 submitters: Uncertain significance (2). Last evaluated 2025-07-08.

Conditions:
DICER1-related tumor predisposition. Also called: DICER1 syndrome; DICER1-related pleuropulmonary blastoma cancer predisposition syndrome. Identifiers: Orphanet 284343, MedGen C3839822, MONDO:0100216.
Hereditary cancer-predisposing syndrome. Also called: Hereditary neoplastic syndrome; Tumor predisposition; Neoplastic Syndromes, Hereditary; Hereditary Cancer Syndrome. Identifiers: Orphanet 140162, MedGen C0027672, MeSH D009386, MONDO:0015356.

Allele frequency attached by ClinVar (database versions not stated): gnomAD exomes below 0.00001.
gnomAD v4.1: 2 of 1,614,186 alleles (0.00012%); highest among the groups gnomAD compares: Middle Eastern, 0.016%; no homozygotes.

Submissions (2):

Labcorp Genetics (formerly Invitae), Labcorp
Classification: Uncertain significance for DICER1-related tumor predisposition. Last evaluated: 2025-07-08. Review status: criteria provided, single submitter. Criteria: Invitae Variant Classification Sherloc (09022015). Collection method: clinical testing. Allele origin: germline.
Comment: This sequence change replaces lysine, which is basic and polar, with arginine, which is basic and polar, at codon 379 of the DICER1 protein (p.Lys379Arg). This variant is not present in population databases (gnomAD no frequency). This variant has not been reported in the literature in individuals affected with DICER1-related conditions. ClinVar contains an entry for this variant (Variation ID: 961979). Invitae Evidence Modeling of protein sequence and biophysical properties (such as structural, functional, and spatial information, amino acid conservation, physicochemical variation, residue mobility, and thermodynamic stability) indicates that this missense variant is not expected to disrupt DICER1 protein function with a negative predictive value of 95%. In summary, the available evidence is currently insufficient to determine the role of this variant in disease. Therefore, it has been classified as a Variant of Uncertain Significance.

Ambry Genetics
Classification: Uncertain significance for Hereditary cancer-predisposing syndrome. Last evaluated: 2022-03-04. Review status: criteria provided, single submitter. Criteria: Ambry Variant Classification Scheme 2023. Collection method: clinical testing. Allele origin: germline.
Comment: The p.K379R variant (also known as c.1136A>G), located in coding exon 7 of the DICER1 gene, results from an A to G substitution at nucleotide position 1136. The lysine at codon 379 is replaced by arginine, an amino acid with highly similar properties. This amino acid position is conserved. In addition, this alteration is predicted to be tolerated by in silico analysis. Since supporting evidence is limited at this time, the clinical significance of this alteration remains unclear.